The following is an entry in ClinVar:

NM_001148.6(ANK2):c.1294C>T (p.Leu432Phe)

Gene: ANK2 (ankyrin 2; plus strand). Cytogenetic location: 4q26.
Variant type: single nucleotide variant.
Coding change: c.1294C>T on transcript NM_001148.6 (MANE Select); coding-DNA position 1294, C replaced by T.
Protein change: p.Leu432Phe; replaces leucine 432 with phenylalanine.
Molecular consequence: missense variant. On other transcripts: intron variant (5).
Genome position (GRCh38, 1-based): chr4:113,258,319, C>T. VCF-style: chr4-113258319-C-T. GRCh37 (hg19) VCF-style: chr4-114179475-C-T.
Other names: c.1231C>T, p.Leu411Phe (NM_001127493.3, NM_001354239.2, NM_001354243.2 and 14 more transcripts); c.1294C>T, p.Leu432Phe (NM_001354225.2, NM_001354228.2, NM_001354232.2 and 8 more transcripts); c.1339C>T, p.Leu447Phe (NM_001354230.2, NM_001354231.2, NM_001354237.2 and 5 more transcripts); c.1207C>T, p.Leu403Phe (NM_001354249.2, NM_001354264.2, NM_001354266.2 and 13 more transcripts); c.1252C>T, p.Leu418Phe (NM_001386160.1, NM_001354261.2, NM_001386147.1); c.1345C>T, p.Leu449Phe (NM_001386174.1); c.1321C>T, p.Leu441Phe (NM_001386175.1); c.1282C>T, p.Leu428Phe (NM_001386186.2, NM_001386148.2); and 4 more; short protein forms L403F, L411F, L418F, L420F, L428F, L432F, L441F, L447F.
Identifiers: ClinVar variation 1162970 (VCV001162970.11), dbSNP rs144113099, ClinGen allele CA3050257.

ClinVar aggregate classification (germline): Uncertain significance. Review status: criteria provided, multiple submitters, no conflicts (2 of 4 stars). 3 submissions from 3 submitters: Uncertain significance (3). Last evaluated 2025-07-12.

Conditions:
Cardiovascular phenotype. Identifiers: MedGen CN230736.
Long QT syndrome (LQTS). Identifiers: MedGen C0023976, MeSH D008133, MONDO:0002442. Disease mechanism: loss of function. Inheritance: Various modes of inheritance.

Allele frequency attached by ClinVar (database versions not stated): gnomAD exomes below 0.00001; TOPMed 0.00001; ExAC 0.00002; ESP Exome Variant Server 0.00008.

Submissions (3):

Ambry Genetics
Classification: Uncertain significance for Cardiovascular phenotype. Last evaluated: 2025-07-12. Review status: criteria provided, single submitter. Criteria: Ambry Variant Classification Scheme 2023. Collection method: clinical testing. Allele origin: germline.
Comment: The p.L432F variant (also known as c.1294C>T), located in coding exon 13 of the ANK2 gene, results from a C to T substitution at nucleotide position 1294. The leucine at codon 432 is replaced by phenylalanine, an amino acid with highly similar properties. This amino acid position is highly conserved in available vertebrate species. In addition, the in silico prediction for this alteration is inconclusive. Since supporting evidence is limited at this time, the clinical significance of this alteration remains unclear.

Labcorp Genetics (formerly Invitae), Labcorp
Classification: Uncertain significance for Long QT syndrome. Last evaluated: 2021-12-23. Review status: criteria provided, single submitter. Criteria: Invitae Variant Classification Sherloc (09022015). Collection method: clinical testing. Allele origin: germline.
Comment: This sequence change replaces leucine, which is neutral and non-polar, with phenylalanine, which is neutral and non-polar, at codon 432 of the ANK2 protein (p.Leu432Phe). This variant is present in population databases (rs144113099, gnomAD 0.0009%). This variant has not been reported in the literature in individuals affected with ANK2-related conditions. ClinVar contains an entry for this variant (Variation ID: 1162970). Algorithms developed to predict the effect of missense changes on protein structure and function are either unavailable or do not agree on the potential impact of this missense change (SIFT: "Deleterious"; PolyPhen-2: "Probably Damaging"; Align-GVGD: "Class C0"). In summary, the available evidence is currently insufficient to determine the role of this variant in disease. Therefore, it has been classified as a Variant of Uncertain Significance.

Mayo Clinic Laboratories, Mayo Clinic
Classification: Uncertain significance. Last evaluated: 2019-09-02. Review status: criteria provided, single submitter. Criteria: ACMG Guidelines, 2015. Collection method: clinical testing. Allele origin: germline. Observed: 1 variant allele.